The following is an entry in ClinVar:

ClinVar aggregate classification (germline): Uncertain significance. Review status: criteria provided, multiple submitters, no conflicts (2 of 4 stars). 2 submissions from 2 submitters: Uncertain significance (2). Last evaluated 2023-03-14.

Conditions:
Cardiovascular phenotype. Identifiers: MedGen CN230736.

Allele frequency attached by ClinVar (database versions not stated): gnomAD 0.00003; ExAC 0.00004.
gnomAD v4.1: 80 of 1,613,924 alleles (0.005%); highest among the groups gnomAD compares: Middle Eastern, 0.15%; no homozygotes.

Submissions (2):

Revvity Omics, Revvity
Classification: Uncertain significance. Last evaluated: 2023-03-14. Review status: criteria provided, single submitter. Criteria: ACMG Guidelines, 2015. Collection method: clinical testing. Allele origin: germline.

Ambry Genetics
Classification: Uncertain significance for Cardiovascular phenotype. Last evaluated: 2021-08-07. Review status: criteria provided, single submitter. Criteria: Ambry Variant Classification Scheme 2023. Collection method: clinical testing. Allele origin: germline.
Comment: The p.R535W variant (also known as c.1603C>T), located in coding exon 9 of the EPHB4 gene, results from a C to T substitution at nucleotide position 1603. The arginine at codon 535 is replaced by tryptophan, an amino acid with dissimilar properties. This amino acid position is conserved. In addition, the in silico prediction for this alteration is inconclusive. Since supporting evidence is limited at this time, the clinical significance of this alteration remains unclear.

NM_004444.5(EPHB4):c.1603C>T (p.Arg535Trp)

Gene: EPHB4 (EPH receptor B4; minus strand). Cytogenetic location: 7q22.1.
Variant type: single nucleotide variant.
Coding change: c.1603C>T on transcript NM_004444.5 (MANE Select); coding-DNA position 1603, C replaced by T.
Protein change: p.Arg535Trp; replaces arginine 535 with tryptophan.
Molecular consequence: missense variant.
Genome position (GRCh38, 1-based): chr7:100,814,007, G>A on the plus strand (C>T on the coding strand, the complement: EPHB4 is on the minus strand). VCF-style: chr7-100814007-G-A. GRCh37 (hg19) VCF-style: chr7-100411629-G-A.
Other names: short protein forms R535W.
Identifiers: ClinVar variation 1776220 (VCV001776220.4), dbSNP rs778356891, ClinGen allele CA4392910.